The following is an entry in ClinVar:

ClinVar aggregate classification (germline): Uncertain significance. Review status: criteria provided, multiple submitters, no conflicts (2 of 4 stars). 2 submissions from 2 submitters: Uncertain significance (2). Last evaluated 2026-01-12.

Conditions:
Singleton-Merten syndrome 1 (SGMRT1). Also called: Widened medullary cavities of bone, aortic calcification, abnormal dentition, and muscular weakness; Syndrome of widened medullary cavities of the metacarpals and phalanges, aortic calcification and abnormal dentition. Identifiers: Orphanet 85191, MedGen C4225427, MONDO:0024535, OMIM 182250.
Aicardi-Goutieres syndrome 7 (AGS7). Identifiers: Orphanet 51, MedGen C3888244, MONDO:0014367, OMIM 615846.

Allele frequency attached by ClinVar (database versions not stated): gnomAD exomes below 0.00001.
gnomAD v4.1: 2 of 1,613,248 alleles (0.00012%); highest among the groups gnomAD compares: Non-Finnish European, 0.000085%; no homozygotes.

Submissions (2):

Labcorp Genetics (formerly Invitae), Labcorp
Classification: Uncertain significance for Aicardi-Goutieres syndrome 7; Singleton-Merten syndrome 1. Last evaluated: 2026-01-12. Review status: criteria provided, single submitter. Criteria: Invitae Variant Classification Sherloc (09022015). Collection method: clinical testing. Allele origin: germline.
Comment: This sequence change replaces phenylalanine, which is neutral and non-polar, with leucine, which is neutral and non-polar, at codon 763 of the IFIH1 protein (p.Phe763Leu). This variant is not present in population databases (gnomAD no frequency). This variant has not been reported in the literature in individuals affected with IFIH1-related conditions. ClinVar contains an entry for this variant (Variation ID: 2953621). Invitae Evidence Modeling of protein sequence and biophysical properties (such as structural, functional, and spatial information, amino acid conservation, physicochemical variation, residue mobility, and thermodynamic stability) has been performed for this missense variant. However, the output from this modeling did not meet the statistical confidence thresholds required to predict the impact of this variant on IFIH1 protein function. In summary, the available evidence is currently insufficient to determine the role of this variant in disease. Therefore, it has been classified as a Variant of Uncertain Significance.

Dasa
Classification: Uncertain significance. Last evaluated: 2025-03-09. Review status: criteria provided, single submitter. Criteria: DASA Assertion Criteria. Collection method: clinical testing. Allele origin: germline.
Comment: NM_022168.4(IFIH1):c.2287T>C (p.Phe763Leu) is a missense variant that results in the substitution of phenylalanine with leucine. This variant is rare in population databases. Computational prediction algorithms are consistent with a benign effect. The currently available literature and clinical evidence are not sufficient to establish a definitive association between this variant and the reported condition. Therefore, this variant is classified as a variant of uncertain significance.

NM_022168.4(IFIH1):c.2287T>C (p.Phe763Leu)

Gene: IFIH1 (interferon induced with helicase C domain 1; minus strand). Cytogenetic location: 2q24.2.
Variant type: single nucleotide variant.
Coding change: c.2287T>C on transcript NM_022168.4 (MANE Select); coding-DNA position 2287, T replaced by C.
Protein change: p.Phe763Leu; replaces phenylalanine 763 with leucine.
Molecular consequence: missense variant.
Genome position (GRCh38, 1-based): chr2:162,276,704, A>G on the plus strand (T>C on the coding strand, the complement: IFIH1 is on the minus strand). VCF-style: chr2-162276704-A-G. GRCh37 (hg19) VCF-style: chr2-163133214-A-G.
Other names: short protein forms F763L.
Identifiers: ClinVar variation 2953621 (VCV002953621.5), dbSNP rs960165167, ClinGen allele CA59658573.